The following is an entry in ClinVar:

NM_000368.5(TSC1):c.566A>T (p.His189Leu)

Gene: TSC1 (TSC complex subunit 1; minus strand). Cytogenetic location: 9q34.13.
Variant type: single nucleotide variant.
Coding change: c.566A>T on transcript NM_000368.5 (MANE Select); coding-DNA position 566, A replaced by T.
Protein change: p.His189Leu; replaces histidine 189 with leucine.
Molecular consequence: missense variant.
Genome position (GRCh38, 1-based): chr9:132,921,916, T>A on the plus strand (A>T on the coding strand, the complement: TSC1 is on the minus strand). VCF-style: chr9-132921916-T-A. GRCh37 (hg19) VCF-style: chr9-135797303-T-A.
Other names: c.566A>T, p.His189Leu (NM_001162426.2); c.413A>T, p.His138Leu (NM_001162427.2); c.203A>T, p.His68Leu (NM_001362177.2); short protein forms H138L, H189L, H68L.
Identifiers: ClinVar variation 1461884 (VCV001461884.8), dbSNP rs2132157644, ClinGen allele CA375372689.

ClinVar aggregate classification (germline): Uncertain significance (1 of 4 stars; one submission).

Conditions:
Tuberous sclerosis 1 (TSC1). Identifiers: Orphanet 805, MedGen C1854465, MONDO:0008612, OMIM 191100.

Submission:

Labcorp Genetics (formerly Invitae), Labcorp
Classification: Uncertain significance for Tuberous sclerosis 1. Last evaluated: 2021-01-29. Review status: criteria provided, single submitter. Criteria: Invitae Variant Classification Sherloc (09022015). Collection method: clinical testing. Allele origin: germline.
Comment: In summary, the available evidence is currently insufficient to determine the role of this variant in disease. Therefore, it has been classified as a Variant of Uncertain Significance. Algorithms developed to predict the effect of missense changes on protein structure and function are either unavailable or do not agree on the potential impact of this missense change (SIFT: "Deleterious"; PolyPhen-2: "Possibly Damaging"; Align-GVGD: "Class C0"). This variant has not been reported in the literature in individuals with TSC1-related conditions. This variant is not present in population databases (ExAC no frequency). This sequence change replaces histidine with leucine at codon 189 of the TSC1 protein (p.His189Leu). The histidine residue is highly conserved and there is a moderate physicochemical difference between histidine and leucine.